The following is an entry in ClinVar:

NM_001367561.1(DOCK7):c.847G>T (p.Ala283Ser)

Gene: DOCK7 (dedicator of cytokinesis 7; minus strand). Cytogenetic location: 1p31.3.
Variant type: single nucleotide variant.
Coding change: c.847G>T on transcript NM_001367561.1 (MANE Select); coding-DNA position 847, G replaced by T.
Protein change: p.Ala283Ser; replaces alanine 283 with serine.
Molecular consequence: missense variant.
Genome position (GRCh38, 1-based): chr1:62,636,575, C>A on the plus strand (G>T on the coding strand, the complement: DOCK7 is on the minus strand). VCF-style: chr1-62636575-C-A. GRCh37 (hg19) VCF-style: chr1-63102246-C-A.
Other names: p.Ala283Ser; c.847G>T, p.Ala283Ser (NM_001271999.2, NM_001272000.2, NM_001272001.2 and 3 more transcripts); c.847G>T (NM_001271999.1); short protein forms A283S.
Identifiers: ClinVar variation 1950654 (VCV001950654.3), dbSNP rs759307230, ClinGen allele CA887096.
Genomic context (GRCh38, chr1:62,636,575, plus strand): 5'-TGGTCAAATTATATAATCTTACCTTTTTCTTTTCCTTGACATCATATAAAGCCAAACTTG[C>A]AAAAATGGGTTCAATTTCAATTTCAAACCTTTATGAAGAAAAAGGATAAAATAATTTAAA-3'
Protein context (NP_001354490.1, residues 273-293): KFEIEIEPIF[Ala283Ser]SLALYDVKEK

ClinVar aggregate classification (germline): Uncertain significance. Review status: criteria provided, multiple submitters, no conflicts (2 of 4 stars). 2 submissions from 2 submitters: Uncertain significance (2). Last evaluated 2022-05-03.

Conditions:
Developmental and epileptic encephalopathy, 23 (DEE23). Also called: Epileptic encephalopathy, early infantile, 23. Identifiers: Orphanet 411986, MedGen C4014492, MONDO:0014371, OMIM 615859.

Allele frequency attached by ClinVar (database versions not stated): gnomAD exomes below 0.00001; ExAC 0.00001; TOPMed 0.00001.
gnomAD v4.1: 2 of 1,601,440 alleles (0.00012%); highest among the groups gnomAD compares: Non-Finnish European, 0.000085%; no homozygotes.

Submissions (2):

Labcorp Genetics (formerly Invitae), Labcorp
Classification: Uncertain significance for Developmental and epileptic encephalopathy, 23. Last evaluated: 2022-05-03. Review status: criteria provided, single submitter. Criteria: Invitae Variant Classification Sherloc (09022015). Collection method: clinical testing. Allele origin: germline.
Comment: This sequence change replaces alanine, which is neutral and non-polar, with serine, which is neutral and polar, at codon 283 of the DOCK7 protein (p.Ala283Ser). The frequency data for this variant in the population databases is considered unreliable, as metrics indicate poor data quality at this position in the gnomAD database. This variant has not been reported in the literature in individuals affected with DOCK7-related conditions. Algorithms developed to predict the effect of missense changes on protein structure and function are either unavailable or do not agree on the potential impact of this missense change (SIFT: "Deleterious"; PolyPhen-2: "Possibly Damaging"; Align-GVGD: "Class C0"). In summary, the available evidence is currently insufficient to determine the role of this variant in disease. Therefore, it has been classified as a Variant of Uncertain Significance.

Mayo Clinic Laboratories, Mayo Clinic
Classification: Uncertain significance. Last evaluated: 2022-01-10. Review status: criteria provided, single submitter. Criteria: ACMG Guidelines, 2015. Collection method: clinical testing. Allele origin: germline. Observed: 1 variant allele.
Comment: BP4, BP5, PM2